The following is an entry in ClinVar:

NC_000009.11:g.(?_214864)_(399260_404917)del

Genes: DOCK8-AS1 (DOCK8 antisense RNA 1; minus strand), DOCK8 (dedicator of cytokinesis 8; plus strand). Cytogenetic location: 9p24.3.
Variant type: Deletion.
Identifiers: ClinVar variation 1339698 (VCV001339698.1).

ClinVar aggregate classification (germline): Pathogenic (1 of 4 stars; one submission).

Conditions:
Severe combined immunodeficiency disease. Also called: Severe combined immunodeficiency; Severe Combined Immune Deficiency. Identifiers: Orphanet 183660, MedGen C0085110, MeSH D016511, MONDO:0015974, HP:0004430. Inheritance: X-Linked or Autosomal recessive.

Submission:

Women's Health and Genetics/Laboratory Corporation of America, LabCorp
Classification: Pathogenic for Severe combined immunodeficiency disease. Last evaluated: 2022-01-13. Review status: criteria provided, single submitter. Criteria: LabCorp Variant Classification Summary - May 2015. Collection method: clinical testing. Allele origin: germline.
Comment: Variant summary: The variant identified by MLPA or other technology involves the deletion of exons 1-26 in the DOCK8 gene. A presumed nomenclature of c.(?_-113)_(3234+1_3235-1)del has been designated for the purposes of this classification. Although exact breakpoints of this deletion are not known, it is expected to result in a loss of start in the DOCK8 gene, a known mechanism of disease. The variant was absent in 21640 control chromosomes. c.(?_-113)_(3234+1_3235-1)del has been reported in the literature in individuals affected with primary Immunodeficiency (PLatt_2021). These data indicate that the variant is likely to be associated with disease. To our knowledge, no experimental evidence demonstrating an impact on protein function has been reported. No clinical diagnostic laboratories have submitted clinical-significance assessments for this variant to ClinVar after 2014. Based on the evidence outlined above, the variant was classified as pathogenic.

Literature cited by the submitters: PubMed 32888943.